The following is an entry in ClinVar:

ClinVar aggregate classification (germline): Conflicting classifications of pathogenicity. Review status: criteria provided, conflicting classifications (1 of 4 stars). 5 submissions from 5 submitters: Uncertain significance (1); Benign (1); Likely benign (3). Last evaluated 2026-01-29.

Conditions:
Familial hemophagocytic lymphohistiocytosis 3 (FHL3). Also called: UNC13D-Related Familial Hemophagocytic Lymphohistiocytosis (UNC13D-fHLH). Identifiers: Orphanet 540, MedGen C1837174, MONDO:0012146, OMIM 608898.

Allele frequency attached by ClinVar (database versions not stated): ESP Exome Variant Server 0.00015; 1000 Genomes Project 30x 0.00016; 1000 Genomes Project 0.00020; gnomAD exomes 0.00029; TOPMed 0.00043; gnomAD 0.00051 and 0.00056; ExAC 0.00071.
gnomAD v4.1: 369 of 1,595,874 alleles (0.023%); highest among the groups gnomAD compares: African/African-American, 0.069%; 1 homozygote.

Submissions (5):

Labcorp Genetics (formerly Invitae), Labcorp
Classification: Benign for Familial hemophagocytic lymphohistiocytosis 3. Last evaluated: 2026-01-29. Review status: criteria provided, single submitter. Criteria: Invitae Variant Classification Sherloc (09022015). Collection method: clinical testing. Allele origin: germline.

Blueprint Genetics
Classification: Likely benign. Last evaluated: 2024-11-13. Review status: criteria provided, single submitter. Criteria: ACMG Guidelines, 2015. Collection method: clinical testing. Allele origin: germline.

CeGaT Center for Human Genetics Tuebingen
Classification: Likely benign. Last evaluated: 2024-02-01. Review status: criteria provided, single submitter. Criteria: CeGaT Center For Human Genetics Tuebingen Variant Classification Criteria Version 2. Collection method: clinical testing. Allele origin: germline. Affected: yes. Observed: 1 variant allele.
Comment: UNC13D: BP4, BP7

Illumina Laboratory Services, Illumina
Classification: Uncertain significance for Familial hemophagocytic lymphohistiocytosis 3. Last evaluated: 2018-01-12. Review status: criteria provided, single submitter. Criteria: ICSL Variant Classification Criteria 13 December 2019. Collection method: clinical testing. Allele origin: germline.

PreventionGenetics, part of Exact Sciences
Classification: Likely benign. Review status: criteria provided, single submitter. Criteria: ACMG Guidelines, 2015. Collection method: clinical testing. Allele origin: germline.

NM_199242.3(UNC13D):c.3078C>T (p.Pro1026=)

Gene: UNC13D (unc-13 homolog D; minus strand). Cytogenetic location: 17q25.1.
Variant type: single nucleotide variant.
Coding change: c.3078C>T on transcript NM_199242.3 (MANE Select); coding-DNA position 3078, C replaced by T.
Protein change: p.Pro1026=; no amino-acid change (proline 1026 retained).
Molecular consequence: synonymous variant.
Genome position (GRCh38, 1-based): chr17:75,828,860, G>A on the plus strand (C>T on the coding strand, the complement: UNC13D is on the minus strand). VCF-style: chr17-75828860-G-A. GRCh37 (hg19) VCF-style: chr17-73824941-G-A.
Identifiers: ClinVar variation 263239 (VCV000263239.37), dbSNP rs372034111, ClinGen allele CA8772278.
Genomic context (GRCh38, chr17:75,828,860, plus strand): 5'-GTACGTGAGGGGCAGGCGGGTCTGAGGCACCTCACCAGGCTCCTCAGAGCCACTCAGCCC[G>A]GGCACCTCACGCAGCGGCAGGAAGGCCTCGCCTTCCAGGTCGTCGGCCCCCAGCGTGTCG-3'
Protein context (NP_954712.1, residues 1016-1036): GEAFLPLREV[Pro1026=]GLSGSEEPGE